The following is an entry in ClinVar:

NM_005359.6(SMAD4):c.-20A>C

Gene: SMAD4 (SMAD family member 4; plus strand). Cytogenetic location: 18q21.2.
Variant type: single nucleotide variant.
Coding change: c.-20A>C on transcript NM_005359.6 (MANE Select); 20 bases upstream of the start codon, A replaced by C.
Molecular consequence: 5 prime UTR variant.
Genome position (GRCh38, 1-based): chr18:51,047,027, A>C. VCF-style: chr18-51047027-A-C. GRCh37 (hg19) VCF-style: chr18-48573397-A-C.
Identifiers: ClinVar variation 380201 (VCV000380201.3), dbSNP rs1057520801, ClinGen allele CA16607593.
Genomic context (GRCh38, chr18:51,047,027, plus strand): 5'-TGTTTTTCACTGTTTCCAAAGGATCAAAATTGCTTCAGAAATTGGAGACATATTTGATTT[A>C]AAAGGAAAAACTTGAACAAATGGACAATATGTCTATTACGAATACACCAACAAGTAATGA-3'

ClinVar aggregate classification (germline): Likely benign. Review status: criteria provided, multiple submitters, no conflicts (2 of 4 stars). 2 submissions from 2 submitters: Likely benign (2). Last evaluated 2017-07-21.

Conditions:
Hereditary cancer-predisposing syndrome. Also called: Tumor predisposition; Hereditary neoplastic syndrome; Neoplastic Syndromes, Hereditary; Hereditary Cancer Syndrome. Identifiers: Orphanet 140162, MedGen C0027672, MeSH D009386, MONDO:0015356.

Allele frequency attached by ClinVar (database versions not stated): gnomAD exomes below 0.00001; TOPMed below 0.00001; gnomAD 0.00001.
gnomAD v4.1: 19 of 1,611,020 alleles (0.0012%); highest among the groups gnomAD compares: Non-Finnish European, 0.0016%; no homozygotes.

Submissions (2):

Color Diagnostics, LLC DBA Color Health
Classification: Likely benign for Hereditary cancer-predisposing syndrome. Last evaluated: 2017-07-21. Review status: criteria provided, single submitter. Criteria: ACMG Guidelines, 2015. Collection method: clinical testing. Allele origin: germline.

GeneDx
Classification: Likely benign. Last evaluated: 2016-02-08. Review status: criteria provided, single submitter. Criteria: GeneDx Variant Classification (06012015). Collection method: clinical testing. Allele origin: germline. Affected: yes.
Comment: This variant is considered likely benign or benign based on one or more of the following criteria: it is a conservative change, it occurs at a poorly conserved position in the protein, it is predicted to be benign by multiple in silico algorithms, and/or has population frequency not consistent with disease.